The following is an entry in ClinVar:

ClinVar aggregate classification (germline): Uncertain significance (1 of 4 stars; one submission).

Conditions:
Developmental and epileptic encephalopathy, 60. Also called: EPILEPTIC ENCEPHALOPATHY, EARLY INFANTILE, 60. Identifiers: MedGen C4693663, MONDO:0033369, OMIM 617929.

Allele frequency attached by ClinVar (database versions not stated): TOPMed 0.00002; gnomAD 0.00003; ESP Exome Variant Server 0.00008.
gnomAD v4.1: 13 of 1,613,796 alleles (0.00081%); highest among the groups gnomAD compares: East Asian, 0.0067%; no homozygotes.

Submission:

Victorian Clinical Genetics Services, Murdoch Childrens Research Institute
Classification: Uncertain significance for Developmental and epileptic encephalopathy, 60. Last evaluated: 2019-08-28. Review status: criteria provided, single submitter. Criteria: ACMG Guidelines, 2015. Collection method: clinical testing. Allele origin: germline. Inheritance: Autosomal recessive inheritance.
Comment: A heterozygous missense variant, NM_006586.4(CNPY3):c.592G>A, has been identified in exon 5 of 6 of the CNPY3 gene. The variant is predicted to result in a minor amino acid change from valine to methionine at position 198 of the protein (NP_006577.2(CNPY3):p.(Val198Met)). The valine residue at this position has very high conservation (100 vertebrates, UCSC), and is located within the DUF3456 domain. In silico predictions for this variant are consistently pathogenic (Polyphen, SIFT, CADD, Mutation Taster). The variant is present in the gnomAD database at a frequency of 0.003% (8 hereozygotes, 0 homozygotes). This variant has not been previously reported in clinical cases. Based on the information available at the time of curation, this variant has been classified as a VARIANT of UNCERTAIN SIGNIFICANCE (VUS).

NM_006586.5(CNPY3):c.592G>A (p.Val198Met)

Genes: CNPY3 (canopy FGF signaling regulator 3; plus strand), CNPY3-GNMT (CNPY3-GNMT readthrough; plus strand). Cytogenetic location: 6p21.1.
Variant type: single nucleotide variant.
Coding change: c.592G>A on transcript NM_006586.5 (MANE Select); coding-DNA position 592, G replaced by A.
Protein change: p.Val198Met; replaces valine 198 with methionine.
Molecular consequence: missense variant. On other transcripts: non-coding transcript variant (4), intron variant (3).
Genome position (GRCh38, 1-based): chr6:42,938,186, G>A. VCF-style: chr6-42938186-G-A. GRCh37 (hg19) VCF-style: chr6-42905924-G-A.
Other names: c.691G>A, p.Val231Met (NM_001318842.1); c.325G>A, p.Val109Met (NM_001318845.1); c.8+8465G>A (NM_001318856.2); c.151+8465G>A (NM_001318857.2, NM_001318858.2); short protein forms V109M, V198M, V231M.
Identifiers: ClinVar variation 1805693 (VCV001805693.1), dbSNP rs142296062, ClinGen allele CA3810504.
Genomic context (GRCh38, chr6:42,938,186, plus strand): 5'-GAGGACTGGTACAGGAACCACCAGGAGGAAGACCTGACTGAATTCCTCTGCGCCAACCAC[G>A]TGCTGAAGGGAAAAGACACCAGTGAGTTTGGGGAAGCAAGGGCAGGCTGGCTCTGGATGA-3'
Protein context (NP_006577.2, residues 188-208): DLTEFLCANH[Val198Met]LKGKDTSCLA